The following is an entry in ClinVar:

ClinVar aggregate classification (germline): Likely pathogenic (1 of 4 stars; one submission).

Conditions:
Cardiovascular phenotype. Identifiers: MedGen CN230736.

Submission:

Ambry Genetics
Classification: Likely pathogenic for Cardiovascular phenotype. Last evaluated: 2025-10-01. Review status: criteria provided, single submitter. Criteria: Ambry Variant Classification Scheme 2023. Collection method: clinical testing. Allele origin: germline.
Comment: The p.Q23904* variant (also known as c.71710C>T), located in coding exon 180 of the TTN gene, results from a C to T substitution at nucleotide position 71710. This changes the amino acid from a glutamine to a stop codon within coding exon 180. This exon is located in the A-band region of the N2-B isoform of the titin protein and is constitutively expressed in TTN transcripts (percent spliced in or PSI 100%). This variant is expected to result in loss of function by premature protein truncation or nonsense-mediated mRNA decay. While truncating variants in TTN are present in 1-3% of the general population, truncating variants in the A-band are the most common cause of dilated cardiomyopathy (Herman DS et al. N. Engl. J. Med., 2012 Feb;366:619-28; Roberts AM et al. Sci Transl Med, 2015 Jan;7:270ra6). TTN truncating variants encoded in constitutive exons (PSI >90%) have been found to be significantly associated with DCM regardless of their position in titin (Schafer S et al. Nat. Genet., 2017 01;49:46-53; Akhtar MM et al. Circ Heart Fail, 2020 Oct;13:e006832; Massier M et al. Clin Genet, 2025 Jan). This variant is considered to be rare based on population cohorts in the Genome Aggregation Database (gnomAD). Based on the majority of available evidence to date, this variant is likely to be pathogenic.

NM_001267550.2(TTN):c.98905C>T (p.Gln32969Ter)

Genes: TTN (titin; minus strand), TTN-AS1 (TTN antisense RNA 1; plus strand). Cytogenetic location: 2q31.2.
Variant type: single nucleotide variant.
Coding change: c.98905C>T on transcript NM_001267550.2 (MANE Select); coding-DNA position 98905, C replaced by T.
Protein change: p.Gln32969Ter; replaces glutamine 32969 with a stop codon.
Molecular consequence: nonsense. On other transcripts: non-coding transcript variant (1).
Genome position (GRCh38, 1-based): chr2:178,539,030, G>A on the plus strand (C>T on the coding strand, the complement: TTN is on the minus strand). VCF-style: chr2-178539030-G-A. GRCh37 (hg19) VCF-style: chr2-179403757-G-A.
Other names: c.93982C>T, p.Gln31328Ter (NM_001256850.1); c.71710C>T, p.Gln23904Ter (NM_003319.4); c.91201C>T, p.Gln30401Ter (NM_133378.4); c.72085C>T, p.Gln24029Ter (NM_133432.3); c.72286C>T, p.Gln24096Ter (NM_133437.4); short protein forms Q24029*, Q24096*, Q32969*, Q23904*, Q30401*, Q31328*.
Identifiers: ClinVar variation 4615303 (VCV004615303.1).